The following is an entry in ClinVar:

ClinVar aggregate classification (germline): Likely benign (1 of 4 stars; one submission).

Allele frequency attached by ClinVar (database versions not stated): gnomAD 0.00001; gnomAD exomes 0.00001; TOPMed 0.00001.
gnomAD v4.1: 20 of 1,614,060 alleles (0.0012%); highest among the groups gnomAD compares: Non-Finnish European, 0.0015%; no homozygotes.

Submission:

CeGaT Center for Human Genetics Tuebingen
Classification: Likely benign. Last evaluated: 2023-12-01. Review status: criteria provided, single submitter. Criteria: CeGaT Center For Human Genetics Tuebingen Variant Classification Criteria Version 2. Collection method: clinical testing. Allele origin: germline. Affected: yes. Observed: 1 variant allele.
Comment: MAT1A: BP4, BP7

NM_000429.3(MAT1A):c.666G>A (p.Leu222=)

Gene: MAT1A (methionine adenosyltransferase 1A; minus strand). Cytogenetic location: 10q22.3.
Variant type: single nucleotide variant.
Coding change: c.666G>A on transcript NM_000429.3 (MANE Select); coding-DNA position 666, G replaced by A.
Protein change: p.Leu222=; no amino-acid change (leucine 222 retained).
Molecular consequence: synonymous variant.
Genome position (GRCh38, 1-based): chr10:80,276,478, C>T on the plus strand (G>A on the coding strand, the complement: MAT1A is on the minus strand). VCF-style: chr10-80276478-C-T. GRCh37 (hg19) VCF-style: chr10-82036234-C-T.
Identifiers: ClinVar variation 3026572 (VCV003026572.22), dbSNP rs1277479940, ClinGen allele CA470467493.
Genomic context (GRCh38, chr10:80,276,478, plus strand): 5'-GTAGACGGTGTCTTCGTCCAGGTACTTGGCCGGCACCACGGCCCTGATGACTTGCTCCTT[C>T]AGGGCCCTGCGCATCTCCTCCAGCGTGATGTCTTCGTTGTGCTGCACAGAGATGACGATG-3'
Protein context (NP_000420.1, residues 212-232): DITLEEMRRA[Leu222=]KEQVIRAVVP